The following is an entry in ClinVar:

NM_001830.4(CLCN4):c.712T>A (p.Phe238Ile)

Gene: CLCN4 (chloride voltage-gated channel 4; plus strand). Cytogenetic location: Xp22.2.
Variant type: single nucleotide variant.
Coding change: c.712T>A on transcript NM_001830.4 (MANE Select); coding-DNA position 712, T replaced by A.
Protein change: p.Phe238Ile; replaces phenylalanine 238 with isoleucine.
Molecular consequence: missense variant.
Genome position (GRCh38, 1-based): chrX:10,206,514, T>A. VCF-style: chrX-10206514-T-A. GRCh37 (hg19) VCF-style: chrX-10174554-T-A.
Other names: c.430T>A, p.Phe144Ile (NM_001256944.2); short protein forms F144I, F238I.
Identifiers: ClinVar variation 1304468 (VCV001304468.2), dbSNP rs1064795198, ClinGen allele CA412036882.
Genomic context (GRCh38, chrX:10,206,514, plus strand): 5'-GGTCTGAGCCTTGGGAAGGAAGGGCCGCTAGTGCACGTGGCTTGTTGCTGTGGCAACTTC[T>A]TCAGCAGCCTTTTCTCCAAGTACAGCAAGAATGAGGGCAAGAGGCGGGAGGTGAGCCAGC-3'
Protein context (NP_001821.2, residues 228-248): VHVACCCGNF[Phe238Ile]SSLFSKYSKN

ClinVar aggregate classification (germline): Uncertain significance (1 of 4 stars; one submission).

Submission:

GeneDx
Classification: Uncertain significance. Last evaluated: 2019-01-09. Review status: criteria provided, single submitter. Criteria: GeneDx Variant Classification Process June 2021. Collection method: clinical testing. Allele origin: germline. Affected: yes.
Comment: Not observed in large population cohorts (Lek et al., 2016); In silico analysis, which includes protein predictors and evolutionary conservation, supports a deleterious effect; Has not been previously published as pathogenic or benign to our knowledge